The following is an entry in ClinVar:

ClinVar aggregate classification (germline): Pathogenic (1 of 4 stars; one submission).

Submission:

ISCA Site 6
Classification: Pathogenic. Last evaluated: 2011-08-12. Review status: criteria provided, single submitter. Criteria: Kaminsky et al. (Genet Med. 2011). Collection method: clinical testing. Allele origin: unknown. Affected: yes. Observed: 1 variant allele.
Comment: Copy number variation identified through the course of routine clinical cytogenomic testing in postnatal populations. Clinical assertions have been curated as described in Kaminsky et al. 2011.

GRCh38/hg38 2p16.3(chr2:50448670-50909614)x1

Genes: MIR8485 (microRNA 8485; minus strand), NRXN1 (neurexin 1; minus strand), LOC110121071 (VISTA enhancer hs1348; plus strand), LOC129388861 (MPRA-validated peak3699 silencer; plus strand). Cytogenetic location: 2p16.3.
Variant type: copy number loss.
Change: copy number 1 (one copy instead of two) of chr2:50,448,670-50,909,614 (460.9 kb, GRCh38 coordinates, 1-based), cytogenetic band 2p16.3.
Identifiers: ClinVar variation 60109 (VCV000060109.2).